The following is an entry in ClinVar:

ClinVar aggregate classification (germline): Uncertain significance. Review status: criteria provided, multiple submitters, no conflicts (2 of 4 stars). 3 submissions from 3 submitters: Uncertain significance (3). Last evaluated 2024-01-18.

Conditions:
Pseudohypoaldosteronism, type IB1, autosomal recessive. Also called: Autosomal recessive pseudohypoaldosteronism type 1; PHA I, AUTOSOMAL RECESSIVE; Pseudohypoaldosteronism, Type I, Autosomal Recessive; Pseudohypoaldosteronism, Type I, Recessive. Identifiers: Orphanet 171876, Orphanet 756, MedGen C5774176, MONDO:0009917, OMIM 264350.
Bronchiectasis with or without elevated sweat chloride 2 (BESC2). Identifiers: Orphanet 60033, MedGen C2751666, MONDO:0013087, OMIM 613021.
Liddle syndrome 3. Identifiers: MedGen C4748292, MONDO:0029132, OMIM 618126.

Allele frequency attached by ClinVar (database versions not stated): ExAC 0.00017; gnomAD exomes 0.00017; 1000 Genomes Project 0.00020; gnomAD 0.00021; TOPMed 0.00023; 1000 Genomes Project 30x 0.00031; ESP Exome Variant Server 0.00031.
gnomAD v4.1: 281 of 1,614,170 alleles (0.017%); highest among the groups gnomAD compares: Middle Eastern, 0.066%; no homozygotes.

Submissions (3):

Fulgent Genetics
Classification: Uncertain significance for Pseudohypoaldosteronism, type IB1, autosomal recessive; Bronchiectasis with or without elevated sweat chloride 2; Liddle syndrome 3. Last evaluated: 2024-01-18. Review status: criteria provided, single submitter. Criteria: ACMG Guidelines, 2015. Collection method: clinical testing. Allele origin: germline.

Johns Hopkins Genomics, Johns Hopkins University
Classification: Uncertain significance for Pseudohypoaldosteronism, type IB1, autosomal recessive. Last evaluated: 2023-04-03. Review status: criteria provided, single submitter. Criteria: ACMG Guidelines, 2015. Collection method: clinical testing. Allele origin: germline.
Comment: This missense variant (rs140175017) is rare (<0.1%) in a large population dataset (gnomAD v2.1.1: 42/282386 total alleles; 0.015%; no homozygotes). It has been reported in ClinVar (Variation ID 2056764) but has not been reported in the literature, to our knowledge. Of two bioinformatics tools queried, one predicts that the substitution would be damaging, while the other predicts that it would be tolerated. While arginine at this residue is conserved in many of the species assessed, some species have a different amino acid at this position, including two species with glutamine. We consider the clinical significance of c.1772G>A in SCNN1A to be uncertain at this time.

Labcorp Genetics (formerly Invitae), Labcorp
Classification: Uncertain significance. Last evaluated: 2022-03-15. Review status: criteria provided, single submitter. Criteria: Invitae Variant Classification Sherloc (09022015). Collection method: clinical testing. Allele origin: germline.
Comment: This sequence change replaces arginine, which is basic and polar, with glutamine, which is neutral and polar, at codon 591 of the SCNN1A protein (p.Arg591Gln). This variant is present in population databases (rs140175017, gnomAD 0.03%). This variant has not been reported in the literature in individuals affected with SCNN1A-related conditions. Algorithms developed to predict the effect of missense changes on protein structure and function output the following: SIFT: "Deleterious"; PolyPhen-2: "Benign"; Align-GVGD: "Class C0". The glutamine amino acid residue is found in multiple mammalian species, which suggests that this missense change does not adversely affect protein function. In summary, the available evidence is currently insufficient to determine the role of this variant in disease. Therefore, it has been classified as a Variant of Uncertain Significance.

Literature cited by the submitters: PubMed 17977920 (cited by Johns Hopkins Genomics, Johns Hopkins University); PubMed 19401469 (cited by Johns Hopkins Genomics, Johns Hopkins University).

NM_001038.6(SCNN1A):c.1772G>A (p.Arg591Gln)

Gene: SCNN1A (sodium channel epithelial 1 subunit alpha; minus strand). Cytogenetic location: 12p13.31.
Variant type: single nucleotide variant.
Coding change: c.1772G>A on transcript NM_001038.6 (MANE Select); coding-DNA position 1772, G replaced by A.
Protein change: p.Arg591Gln; replaces arginine 591 with glutamine.
Molecular consequence: missense variant.
Genome position (GRCh38, 1-based): chr12:6,348,111, C>T on the plus strand (G>A on the coding strand, the complement: SCNN1A is on the minus strand). VCF-style: chr12-6348111-C-T. GRCh37 (hg19) VCF-style: chr12-6457277-C-T.
Other names: c.1841G>A, p.Arg614Gln (NM_001159575.2); c.1949G>A, p.Arg650Gln (NM_001159576.2); short protein forms R591Q, R650Q, R614Q.
Identifiers: ClinVar variation 2056764 (VCV002056764.3), dbSNP rs140175017, ClinGen allele CA6405710.